The following is an entry in ClinVar:

NM_013266.4(CTNNA3):c.1198A>G (p.Ile400Val)

Gene: CTNNA3 (catenin alpha 3; minus strand). Cytogenetic location: 10q21.3.
Variant type: single nucleotide variant.
Coding change: c.1198A>G on transcript NM_013266.4 (MANE Select); coding-DNA position 1198, A replaced by G.
Protein change: p.Ile400Val; replaces isoleucine 400 with valine.
Molecular consequence: missense variant.
Genome position (GRCh38, 1-based): chr10:66,766,347, T>C on the plus strand (A>G on the coding strand, the complement: CTNNA3 is on the minus strand). VCF-style: chr10-66766347-T-C. GRCh37 (hg19) VCF-style: chr10-68526105-T-C.
Other names: c.1198A>G, p.Ile400Val (NM_001127384.3); short protein forms I400V.
Identifiers: ClinVar variation 4235684 (VCV004235684.1).

ClinVar aggregate classification (germline): Uncertain significance (1 of 4 stars; one submission).

gnomAD v4.1: 4 of 1,607,140 alleles (0.00025%); highest among the groups gnomAD compares: South Asian, 0.0033%; no homozygotes.

Submission:

Ambry Genetics
Classification: Uncertain significance. Last evaluated: 2025-08-31. Review status: criteria provided, single submitter. Criteria: Ambry Variant Classification Scheme 2023. Collection method: clinical testing. Allele origin: germline.
Comment: The p.I400V variant (also known as c.1198A>G), located in coding exon 8 of the CTNNA3 gene, results from an A to G substitution at nucleotide position 1198. The isoleucine at codon 400 is replaced by valine, an amino acid with highly similar properties. This amino acid position is conserved. In addition, this alteration is predicted to be tolerated by in silico analysis. Based on the available evidence, the clinical significance of this variant remains unclear.